The following is an entry in ClinVar:

NM_002485.5(NBN):c.182A>G (p.Asp61Gly)

Gene: NBN (nibrin; minus strand). Cytogenetic location: 8q21.3.
Variant type: single nucleotide variant.
Coding change: c.182A>G on transcript NM_002485.5 (MANE Select); coding-DNA position 182, A replaced by G.
Protein change: p.Asp61Gly; replaces aspartic acid 61 with glycine.
Molecular consequence: missense variant. On other transcripts: 5 prime UTR variant (1).
Genome position (GRCh38, 1-based): chr8:89,981,513, T>C on the plus strand (A>G on the coding strand, the complement: NBN is on the minus strand). VCF-style: chr8-89981513-T-C. GRCh37 (hg19) VCF-style: chr8-90993741-T-C.
Other names: c.-65A>G (NM_001024688.3); short protein forms D61G.
Identifiers: ClinVar variation 628469 (VCV000628469.16), dbSNP rs1460282206, ClinGen allele CA371662623.

ClinVar aggregate classification (germline): Uncertain significance. Review status: criteria provided, multiple submitters, no conflicts (2 of 4 stars). 3 submissions from 3 submitters: Uncertain significance (3). Last evaluated 2024-11-30.

Conditions:
Hereditary cancer-predisposing syndrome. Also called: Tumor predisposition; Neoplastic Syndromes, Hereditary; Hereditary Cancer Syndrome; Hereditary neoplastic syndrome. Identifiers: Orphanet 140162, MedGen C0027672, MeSH D009386, MONDO:0015356.
Microcephaly, normal intelligence and immunodeficiency (NBS). Also called: BERLIN BREAKAGE SYNDROME; Ataxia telangiectasia variant V1; IMMUNODEFICIENCY, MICROCEPHALY, AND CHROMOSOMAL INSTABILITY; SEEMANOVA SYNDROME II; Immunodeficiency, microcephaly with normal intelligence; Nijmegen breakage syndrome. Identifiers: Orphanet 647, MedGen C0398791, MONDO:0009623, OMIM 251260.

Allele frequency attached by ClinVar (database versions not stated): gnomAD exomes below 0.00001.
gnomAD v4.1: 3 of 1,612,882 alleles (0.00019%); highest among the groups gnomAD compares: Non-Finnish European, 0.00025%; no homozygotes.

Submissions (3):

Ambry Genetics
Classification: Uncertain significance for Hereditary cancer-predisposing syndrome. Last evaluated: 2024-11-30. Review status: criteria provided, single submitter. Criteria: Ambry Variant Classification Scheme 2023. Collection method: clinical testing. Allele origin: germline.
Comment: The p.D61G variant (also known as c.182A>G), located in coding exon 3 of the NBN gene, results from an A to G substitution at nucleotide position 182. The aspartic acid at codon 61 is replaced by glycine, an amino acid with similar properties. This amino acid position is conserved. In addition, this alteration is predicted to be tolerated by in silico analysis. Since supporting evidence is limited at this time, the clinical significance of this alteration remains unclear.

Labcorp Genetics (formerly Invitae), Labcorp
Classification: Uncertain significance for Microcephaly, normal intelligence and immunodeficiency. Last evaluated: 2023-08-29. Review status: criteria provided, single submitter. Criteria: Invitae Variant Classification Sherloc (09022015). Collection method: clinical testing. Allele origin: germline.
Comment: This sequence change replaces aspartic acid, which is acidic and polar, with glycine, which is neutral and non-polar, at codon 61 of the NBN protein (p.Asp61Gly). This variant is present in population databases (no rsID available, gnomAD 0.0009%). This variant has not been reported in the literature in individuals affected with NBN-related conditions. ClinVar contains an entry for this variant (Variation ID: 628469). Algorithms developed to predict the effect of missense changes on protein structure and function output the following: SIFT: "Not Available"; PolyPhen-2: "Benign"; Align-GVGD: "Not Available". The glycine amino acid residue is found in multiple mammalian species, which suggests that this missense change does not adversely affect protein function. In summary, the available evidence is currently insufficient to determine the role of this variant in disease. Therefore, it has been classified as a Variant of Uncertain Significance.

Genome-Nilou Lab
Classification: Uncertain significance for Microcephaly, normal intelligence and immunodeficiency. Last evaluated: 2021-11-07. Review status: criteria provided, single submitter. Criteria: ACMG Guidelines, 2015. Collection method: clinical testing. Allele origin: germline. Affected: no.